The following is an entry in ClinVar:

NM_005654.6(NR2F1):c.628C>T (p.Pro210Ser)

Gene: NR2F1 (nuclear receptor subfamily 2 group F member 1; plus strand). Cytogenetic location: 5q15.
Variant type: single nucleotide variant.
Coding change: c.628C>T on transcript NM_005654.6 (MANE Select); coding-DNA position 628, C replaced by T.
Protein change: p.Pro210Ser; replaces proline 210 with serine.
Molecular consequence: missense variant.
Genome position (GRCh38, 1-based): chr5:93,588,081, C>T. VCF-style: chr5-93588081-C-T. GRCh37 (hg19) VCF-style: chr5-92923787-C-T.
Other names: c.178C>T, p.Pro60Ser (NM_001410754.1); short protein forms P210S, P60S.
Identifiers: ClinVar variation 4710000 (VCV004710000.1).
Genomic context (GRCh38, chr5:93,588,081, plus strand): 5'-TCGCTGCTGCTGCGCGCCGAGCCCTACCCCACGTCGCGCTACGGCAGCCAGTGCATGCAG[C>T]CCAACAACATTATGGGCATCGAGAACATCTGCGAGCTGGCCGCGCGCCTGCTCTTCAGCG-3'
Protein context (NP_005645.1, residues 200-220): TSRYGSQCMQ[Pro210Ser]NNIMGIENIC

ClinVar aggregate classification (germline): Uncertain significance (1 of 4 stars; one submission).

Submission:

Labcorp Genetics (formerly Invitae), Labcorp
Classification: Uncertain significance. Last evaluated: 2025-06-06. Review status: criteria provided, single submitter. Criteria: Invitae Variant Classification Sherloc (09022015). Collection method: clinical testing. Allele origin: germline.
Comment: This sequence change replaces proline, which is neutral and non-polar, with serine, which is neutral and polar, at codon 210 of the NR2F1 protein (p.Pro210Ser). This variant is not present in population databases (gnomAD no frequency). This variant has not been reported in the literature in individuals affected with NR2F1-related conditions. Invitae Evidence Modeling of protein sequence and biophysical properties (such as structural, functional, and spatial information, amino acid conservation, physicochemical variation, residue mobility, and thermodynamic stability) indicates that this missense variant is not expected to disrupt NR2F1 protein function with a negative predictive value of 80%. In summary, the available evidence is currently insufficient to determine the role of this variant in disease. Therefore, it has been classified as a Variant of Uncertain Significance.